The following is an entry in ClinVar:

NM_002471.4(MYH6):c.2359A>G (p.Ile787Val)

Gene: MYH6 (myosin heavy chain 6; minus strand). Cytogenetic location: 14q11.2.
Variant type: single nucleotide variant.
Coding change: c.2359A>G on transcript NM_002471.4 (MANE Select); coding-DNA position 2359, A replaced by G.
Protein change: p.Ile787Val; replaces isoleucine 787 with valine.
Molecular consequence: missense variant.
Genome position (GRCh38, 1-based): chr14:23,396,354, T>C on the plus strand (A>G on the coding strand, the complement: MYH6 is on the minus strand). VCF-style: chr14-23396354-T-C. GRCh37 (hg19) VCF-style: chr14-23865563-T-C.
Other names: short protein forms I787V.
Identifiers: ClinVar variation 1523658 (VCV001523658.6), dbSNP rs1283666600, ClinGen allele CA389016281.

ClinVar aggregate classification (germline): Uncertain significance (1 of 4 stars; one submission).

Conditions:
Hypertrophic cardiomyopathy 14. Identifiers: MedGen C2750467, MONDO:0013197, OMIM 613251.

Allele frequency attached by ClinVar (database versions not stated): gnomAD exomes below 0.00001; TOPMed below 0.00001.

Submission:

Labcorp Genetics (formerly Invitae), Labcorp
Classification: Uncertain significance for Hypertrophic cardiomyopathy 14. Last evaluated: 2023-02-22. Review status: criteria provided, single submitter. Criteria: Invitae Variant Classification Sherloc (09022015). Collection method: clinical testing. Allele origin: germline.
Comment: In summary, the available evidence is currently insufficient to determine the role of this variant in disease. Therefore, it has been classified as a Variant of Uncertain Significance. Advanced modeling of protein sequence and biophysical properties (such as structural, functional, and spatial information, amino acid conservation, physicochemical variation, residue mobility, and thermodynamic stability) performed at Invitae indicates that this missense variant is not expected to disrupt MYH6 protein function. ClinVar contains an entry for this variant (Variation ID: 1523658). This variant has not been reported in the literature in individuals affected with MYH6-related conditions. This variant is present in population databases (no rsID available, gnomAD 0.0009%). This sequence change replaces isoleucine, which is neutral and non-polar, with valine, which is neutral and non-polar, at codon 787 of the MYH6 protein (p.Ile787Val).